The following is an entry in ClinVar:

NM_022168.4(IFIH1):c.2896C>T (p.Gln966Ter)

Gene: IFIH1 (interferon induced with helicase C domain 1; minus strand). Cytogenetic location: 2q24.2.
Variant type: single nucleotide variant.
Coding change: c.2896C>T on transcript NM_022168.4 (MANE Select); coding-DNA position 2896, C replaced by T.
Protein change: p.Gln966Ter; replaces glutamine 966 with a stop codon.
Molecular consequence: nonsense.
Genome position (GRCh38, 1-based): chr2:162,267,481, G>A on the plus strand (C>T on the coding strand, the complement: IFIH1 is on the minus strand). VCF-style: chr2-162267481-G-A. GRCh37 (hg19) VCF-style: chr2-163123991-G-A.
Other names: short protein forms Q966*.
Identifiers: ClinVar variation 1690849 (VCV001690849.2), dbSNP rs2105186917, ClinGen allele CA348989564.

ClinVar aggregate classification (germline): Uncertain significance (1 of 4 stars; one submission).

Submission:

Laboratorio de Genetica e Diagnostico Molecular, Hospital Israelita Albert Einstein
Classification: Uncertain significance. Last evaluated: 2020-03-28. Review status: criteria provided, single submitter. Criteria: ACMG Guidelines, 2015. Collection method: clinical testing. Allele origin: germline. Affected: yes.
Comment: ACMG classification criteria: PM2, PP3